The following is an entry in ClinVar:

ClinVar aggregate classification (germline): Uncertain significance (1 of 4 stars; one submission).

Submission:

GeneDx
Classification: Uncertain significance. Last evaluated: 2024-05-24. Review status: criteria provided, single submitter. Criteria: GeneDx Variant Classification Process June 2021. Collection method: clinical testing. Allele origin: germline. Affected: yes.
Comment: Not observed at significant frequency in large population cohorts (gnomAD); In silico analysis supports that this missense variant has a deleterious effect on protein structure/function; Has not been previously published as pathogenic or benign to our knowledge

NM_015057.5(MYCBP2):c.11288G>A (p.Gly3763Asp)

Genes: MYCBP2 (MYC binding protein 2; minus strand), MYCBP2-AS1 (MYCBP2 antisense RNA 1; plus strand). Cytogenetic location: 13q22.3.
Variant type: single nucleotide variant.
Coding change: c.11288G>A on transcript NM_015057.5 (MANE Select); coding-DNA position 11288, G replaced by A.
Protein change: p.Gly3763Asp; replaces glycine 3763 with aspartic acid.
Molecular consequence: missense variant.
Genome position (GRCh38, 1-based): chr13:77,081,557, C>T on the plus strand (G>A on the coding strand, the complement: MYCBP2 is on the minus strand). VCF-style: chr13-77081557-C-T. GRCh37 (hg19) VCF-style: chr13-77655692-C-T.
Other names: short protein forms G3763D.
Identifiers: ClinVar variation 3381284 (VCV003381284.1).